The following is an entry in ClinVar:

ClinVar aggregate classification (germline): Uncertain significance (1 of 4 stars; one submission).

Conditions:
Developmental and epileptic encephalopathy. Identifiers: MedGen C5779964, MONDO:0100620.

Submission:

Labcorp Genetics (formerly Invitae), Labcorp
Classification: Uncertain significance for Early-infantile DEE. Last evaluated: 2022-05-17. Review status: criteria provided, single submitter. Criteria: Invitae Variant Classification Sherloc (09022015). Collection method: clinical testing. Allele origin: germline.
Comment: This variant is a gross deletion of the genomic region encompassing exon(s) 3 of the ST3GAL3 gene. This variant would be expected to be in-frame, preserving the integrity of the reading frame. This variant has not been reported in the literature in individuals affected with ST3GAL3-related conditions. In summary, the available evidence is currently insufficient to determine the role of this variant in disease. Therefore, it has been classified as a Variant of Uncertain Significance.

NC_000001.10:g.(?_44257753)_(44257840_?)del

Gene: ST3GAL3 (ST3 beta-galactoside alpha-2,3-sialyltransferase 3; plus strand). Cytogenetic location: 1p34.1.
Variant type: Deletion.
Identifiers: ClinVar variation 2425555 (VCV002425555.4).